The following is an entry in ClinVar:

NC_000016.9:g.(?_21690216)_(21739772_?)dup

Gene: OTOA (otoancorin). Cytogenetic location: 16p12.2.
Variant type: Duplication.
Identifiers: ClinVar variation 3243673 (VCV003243673.1).

ClinVar aggregate classification (germline): Likely pathogenic (1 of 4 stars; one submission).

Submission:

Labcorp Genetics (formerly Invitae), Labcorp
Classification: Likely pathogenic. Last evaluated: 2023-02-16. Review status: criteria provided, single submitter. Criteria: Invitae Variant Classification Sherloc (09022015). Collection method: clinical testing. Allele origin: unknown.
Comment: This variant results in a copy number gain of the genomic region encompassing exon(s) 2-19 of the OTOA gene. While the exact position of this variant cannot be determined from the data, sub-genic copy number gains are generally in tandem (PMID: 25640679). This variant is predicted to be out-of-frame, and may result in an absent or disrupted protein product. Loss-of-function variants in OTOA are known to be pathogenic (PMID: 11972037). This variant has not been reported in the literature in individuals affected with OTOA-related conditions. Experimental studies and prediction algorithms are not available or were not evaluated, and the functional significance of this variant is currently unknown. In summary, the currently available evidence indicates that the variant is pathogenic, but additional data are needed to prove that conclusively. Therefore, this variant has been classified as Likely Pathogenic.

Literature cited by the submitters: PubMed 25640679; PubMed 11972037.